The following is an entry in ClinVar:

ClinVar aggregate classification (germline): Uncertain significance (1 of 4 stars; one submission).

Submission:

CeGaT Center for Human Genetics Tuebingen
Classification: Uncertain significance. Last evaluated: 2024-09-01. Review status: criteria provided, single submitter. Criteria: CeGaT Center For Human Genetics Tuebingen Variant Classification Criteria Version 2. Collection method: clinical testing. Allele origin: germline. Affected: yes. Observed: 1 variant allele.
Comment: ZDHHC9: PM2, PP2, BP4

NM_016032.4(ZDHHC9):c.1021A>C (p.Ser341Arg)

Gene: ZDHHC9 (zDHHC palmitoyltransferase 9; minus strand). Cytogenetic location: Xq26.1.
Variant type: single nucleotide variant.
Coding change: c.1021A>C on transcript NM_016032.4 (MANE Select); coding-DNA position 1021, A replaced by C.
Protein change: p.Ser341Arg; replaces serine 341 with arginine.
Molecular consequence: missense variant.
Genome position (GRCh38, 1-based): chrX:129,806,444, T>G on the plus strand (A>C on the coding strand, the complement: ZDHHC9 is on the minus strand). VCF-style: chrX-129806444-T-G. GRCh37 (hg19) VCF-style: chrX-128940420-T-G.
Other names: c.1021A>C, p.Ser341Arg (NM_001008222.3); short protein forms S341R.
Identifiers: ClinVar variation 3389603 (VCV003389603.14).